The following is an entry in ClinVar:

ClinVar aggregate classification (germline): Uncertain significance (1 of 4 stars; one submission).

Conditions:
Blau syndrome (BLAUS). Also called: GRANULOMATOSIS, FAMILIAL JUVENILE SYSTEMIC; GRANULOMATOSIS, FAMILIAL, BLAU TYPE; GRANULOMATOUS INFLAMMATORY ARTHRITIS, DERMATITIS, AND UVEITIS, FAMILIAL; JABS SYNDROME; ARTHROCUTANEOUVEAL GRANULOMATOSIS. Identifiers: Orphanet 90340, MedGen C5201146, MONDO:0008523, OMIM 186580.
Regional enteritis. Also called: Enteritis, Granulomatous. Identifiers: MedGen C0678202, MeSH D003424.

Submission:

Labcorp Genetics (formerly Invitae), Labcorp
Classification: Uncertain significance for Regional enteritis; Blau syndrome. Last evaluated: 2021-07-25. Review status: criteria provided, single submitter. Criteria: Invitae Variant Classification Sherloc (09022015). Collection method: clinical testing. Allele origin: germline.
Comment: Experimental studies and prediction algorithms are not available or were not evaluated, and the functional significance of this variant is currently unknown. This variant, c.43_51dup, results in the insertion of 3 amino acid(s) to the NOD2 protein (p.Arg15_Ser17dup), but otherwise preserves the integrity of the reading frame. This variant is not present in population databases (ExAC no frequency). This variant has not been reported in the literature in individuals affected with NOD2-related conditions. In summary, the available evidence is currently insufficient to determine the role of this variant in disease. Therefore, it has been classified as a Variant of Uncertain Significance.

NM_001370466.1(NOD2):c.-8-2202_-8-2194dup

Gene: NOD2 (nucleotide binding oligomerization domain containing 2; plus strand). Cytogenetic location: 16q12.1.
Variant type: Duplication.
Coding change: c.-8-2202_-8-2194dup on transcript NM_001370466.1 (MANE Select); 2202 bases into the intron before 8 bases upstream of the start codon through 2194 bases into the intron before 8 bases upstream of the start codon, 9 bases duplicated (AGAGCAAGT; older notation c.-8-2202_-8-2194dupAGAGCAAGT).
Molecular consequence: intron variant. On other transcripts: inframe insertion (1).
Genome position (GRCh38, 1-based): chr16:50,697,286-50,697,294, AGAGCAAGT duplicated. VCF-style (leftmost placement, unchanged base first): chr16-50697285-A-AAGAGCAAGT. GRCh37 (hg19) VCF-style: chr16-50731196-A-AAGAGCAAGT.
Other names: c.43_51dup, p.Arg15_Ser17dup (NM_022162.3).
Identifiers: ClinVar variation 1507434 (VCV001507434.8), dbSNP rs2150776605, ClinGen allele CA2573152307.